The following is an entry in ClinVar:

ClinVar aggregate classification (germline): Uncertain significance (1 of 4 stars; one submission).

Conditions:
Autosomal dominant nonsyndromic hearing loss 65. Also called: Deafness, autosomal dominant 65; TBC1D24-Related Autosomal Dominant Nonsyndromic Hearing Loss (DFNA). Identifiers: Orphanet 90635, MedGen C3892048, MONDO:0014470, OMIM 616044.
Developmental and epileptic encephalopathy, 1 (DEE1). Also called: INFANTILE SPASM SYNDROME, X-LINKED 1; X-linked infantile spasms; West's syndrome; Tonic spasms with clustering, arrest of psychomotor development and hypsarrhythmia on EEG; X-Linked Infantile Spasm Syndrome; OHTAHARA SYNDROME, X-LINKED. Identifiers: MedGen C3463992, MONDO:0010632, OMIM 308350. Disease mechanism: loss of function.

Submission:

Labcorp Genetics (formerly Invitae), Labcorp
Classification: Uncertain significance for Developmental and epileptic encephalopathy, 1; Autosomal dominant nonsyndromic hearing loss 65. Last evaluated: 2023-11-24. Review status: criteria provided, single submitter. Criteria: Invitae Variant Classification Sherloc (09022015). Collection method: clinical testing. Allele origin: germline.
Comment: This sequence change replaces histidine, which is basic and polar, with glutamine, which is neutral and polar, at codon 195 of the TBC1D24 protein (p.His195Gln). This variant is not present in population databases (gnomAD no frequency). This variant has not been reported in the literature in individuals affected with TBC1D24-related conditions. Advanced modeling of protein sequence and biophysical properties (such as structural, functional, and spatial information, amino acid conservation, physicochemical variation, residue mobility, and thermodynamic stability) performed at Invitae indicates that this missense variant is expected to disrupt TBC1D24 protein function with a positive predictive value of 80%. In summary, the available evidence is currently insufficient to determine the role of this variant in disease. Therefore, it has been classified as a Variant of Uncertain Significance.

NM_001199107.2(TBC1D24):c.585C>G (p.His195Gln)

Gene: TBC1D24 (TBC1 domain family member 24; plus strand). Cytogenetic location: 16p13.3.
Variant type: single nucleotide variant.
Coding change: c.585C>G on transcript NM_001199107.2 (MANE Select); coding-DNA position 585, C replaced by G.
Protein change: p.His195Gln; replaces histidine 195 with glutamine.
Molecular consequence: missense variant.
Genome position (GRCh38, 1-based): chr16:2,496,733, C>G. VCF-style: chr16-2496733-C-G. GRCh37 (hg19) VCF-style: chr16-2546734-C-G.
Other names: c.585C>G, p.His195Gln (NM_020705.3); short protein forms H195Q.
Identifiers: ClinVar variation 2954131 (VCV002954131.3), dbSNP rs2505514860, ClinGen allele CA394376677.
Genomic context (GRCh38, chr16:2,496,733, plus strand): 5'-CTTTGAGTCGTCCTGCATGACGTTTGGGGACCTGGTGAACAAGTACTGCCAGGCGGCCCA[C>G]AAGCTGATGGTGGCCGTGTCGGAGGATGTCCTGCAGGTCTATGCGGACTGGCAGCGCTGG-3'
Protein context (NP_001186036.1, residues 185-205): DLVNKYCQAA[His195Gln]KLMVAVSEDV